The following is an entry in ClinVar:

NM_001288705.3(CSF1R):c.1475G>C (p.Gly492Ala)

Gene: CSF1R (colony stimulating factor 1 receptor; minus strand). Cytogenetic location: 5q32.
Variant type: single nucleotide variant.
Coding change: c.1475G>C on transcript NM_001288705.3 (MANE Select); coding-DNA position 1475, G replaced by C.
Protein change: p.Gly492Ala; replaces glycine 492 with alanine.
Molecular consequence: missense variant. On other transcripts: non-coding transcript variant (2).
Genome position (GRCh38, 1-based): chr5:150,069,908, C>G on the plus strand (G>C on the coding strand, the complement: CSF1R is on the minus strand). VCF-style: chr5-150069908-C-G. GRCh37 (hg19) VCF-style: chr5-149449471-C-G.
Other names: c.1475G>C, p.Gly492Ala (NM_001349736.2, NM_001375320.1, NM_005211.4); c.1031G>C, p.Gly344Ala (NM_001375321.1); short protein forms G344A, G492A.
Identifiers: ClinVar variation 2784035 (VCV002784035.3), dbSNP rs2481010275, ClinGen allele CA361719755.

ClinVar aggregate classification (germline): Uncertain significance (1 of 4 stars; one submission).

Allele frequency attached by ClinVar (database versions not stated): gnomAD exomes 0.00001.
gnomAD v4.1: 4 of 1,613,822 alleles (0.00025%); highest among the groups gnomAD compares: Non-Finnish European, 0.00034%; no homozygotes.

Submission:

Labcorp Genetics (formerly Invitae), Labcorp
Classification: Uncertain significance. Last evaluated: 2023-11-18. Review status: criteria provided, single submitter. Criteria: Invitae Variant Classification Sherloc (09022015). Collection method: clinical testing. Allele origin: germline.
Comment: This sequence change replaces glycine, which is neutral and non-polar, with alanine, which is neutral and non-polar, at codon 492 of the CSF1R protein (p.Gly492Ala). This variant is not present in population databases (gnomAD no frequency). This variant has not been reported in the literature in individuals affected with CSF1R-related conditions. Advanced modeling of protein sequence and biophysical properties (such as structural, functional, and spatial information, amino acid conservation, physicochemical variation, residue mobility, and thermodynamic stability) performed at Invitae indicates that this missense variant is not expected to disrupt CSF1R protein function with a negative predictive value of 95%. In summary, the available evidence is currently insufficient to determine the role of this variant in disease. Therefore, it has been classified as a Variant of Uncertain Significance.